The following is an entry in ClinVar:

NM_014915.3(ANKRD26):c.103T>A (p.Tyr35Asn)

Genes: ANKRD26 (ankyrin repeat domain 26; minus strand), LOC130003554 (ATAC-STARR-seq lymphoblastoid silent region 2243; plus strand). Cytogenetic location: 10p12.1.
Variant type: single nucleotide variant.
Coding change: c.103T>A on transcript NM_014915.3 (MANE Select); coding-DNA position 103, T replaced by A.
Protein change: p.Tyr35Asn; replaces tyrosine 35 with asparagine.
Molecular consequence: missense variant.
Genome position (GRCh38, 1-based): chr10:27,100,224, A>T on the plus strand (T>A on the coding strand, the complement: ANKRD26 is on the minus strand). VCF-style: chr10-27100224-A-T. GRCh37 (hg19) VCF-style: chr10-27389153-A-T.
Other names: c.103T>A, p.Tyr35Asn (NM_001256053.2); short protein forms Y35N.
Identifiers: ClinVar variation 3771787 (VCV003771787.14).

ClinVar aggregate classification (germline): Conflicting classifications of pathogenicity. Review status: criteria provided, conflicting classifications (1 of 4 stars). 2 submissions from 2 submitters: Uncertain significance (1); Likely benign (1). Last evaluated 2025-02-12.

Conditions:
Inborn genetic diseases. Identifiers: MedGen C0950123, MeSH D030342.

gnomAD v4.1: 2 of 1,612,936 alleles (0.00012%); highest among the groups gnomAD compares: South Asian, 0.0011%; no homozygotes.

Submissions (2):

Ambry Genetics
Classification: Likely benign for Inborn genetic diseases. Last evaluated: 2025-02-12. Review status: criteria provided, single submitter. Criteria: Ambry Variant Classification Scheme 2023. Collection method: clinical testing. Allele origin: germline.

CeGaT Center for Human Genetics Tuebingen
Classification: Uncertain significance. Last evaluated: 2025-01-01. Review status: criteria provided, single submitter. Criteria: CeGaT Center For Human Genetics Tuebingen Variant Classification Criteria Version 2. Collection method: clinical testing. Allele origin: germline. Affected: yes. Observed: 1 variant allele.
Comment: ANKRD26: PM2, BP4